The following is an entry in ClinVar:

ClinVar aggregate classification (germline): Uncertain significance (1 of 4 stars; one submission).

Conditions:
Congenital insensitivity to pain-hypohidrosis syndrome. Also called: Neuropathy, hereditary sensory and autonomic, type VIII; HSAN VIII. Identifiers: Orphanet 478664, MedGen C4225308, MONDO:0014662, OMIM 616488.

Allele frequency attached by ClinVar (database versions not stated): gnomAD exomes below 0.00001.

Submission:

Labcorp Genetics (formerly Invitae), Labcorp
Classification: Uncertain significance for Congenital insensitivity to pain-hypohidrosis syndrome. Last evaluated: 2021-10-01. Review status: criteria provided, single submitter. Criteria: Invitae Variant Classification Sherloc (09022015). Collection method: clinical testing. Allele origin: germline.
Comment: This sequence change replaces proline with glutamine at codon 20 of the PRDM12 protein (p.Pro20Gln). The proline residue is weakly conserved and there is a moderate physicochemical difference between proline and glutamine. This variant is not present in population databases (ExAC no frequency). This variant has not been reported in the literature in individuals affected with PRDM12-related conditions. Algorithms developed to predict the effect of missense changes on protein structure and function output the following: SIFT: "Tolerated"; PolyPhen-2: "Benign"; Align-GVGD: "Class C0". The glutamine amino acid residue is found in multiple mammalian species, which suggests that this missense change does not adversely affect protein function. In summary, the available evidence is currently insufficient to determine the role of this variant in disease. Therefore, it has been classified as a Variant of Uncertain Significance.

NM_021619.3(PRDM12):c.59C>A (p.Pro20Gln)

Gene: PRDM12 (PR/SET domain 12; plus strand). Cytogenetic location: 9q34.12.
Variant type: single nucleotide variant.
Coding change: c.59C>A on transcript NM_021619.3 (MANE Select); coding-DNA position 59, C replaced by A.
Protein change: p.Pro20Gln; replaces proline 20 with glutamine.
Molecular consequence: missense variant.
Genome position (GRCh38, 1-based): chr9:130,664,712, C>A. VCF-style: chr9-130664712-C-A. GRCh37 (hg19) VCF-style: chr9-133540099-C-A.
Other names: short protein forms P20Q.
Identifiers: ClinVar variation 1357518 (VCV001357518.6), dbSNP rs1339705107, ClinGen allele CA375245487.